The following is an entry in ClinVar:

NM_002941.4(ROBO1):c.3396TCC[1] (p.Pro1134del)

Gene: ROBO1 (roundabout guidance receptor 1; minus strand). Cytogenetic location: 3p12.3.
Variant type: Microsatellite.
Coding change: c.3396TCC[1] on transcript NM_002941.4 (MANE Select); one copy of the 3-base unit TCC starting at c.3396; the reference has two copies in a row; one copy, 3 bases deleted; also written c.3399_3401del.
Protein change: p.Pro1134del; deletes proline 1134.
Molecular consequence: inframe deletion.
Genome position (GRCh38, 1-based): chr3:78,634,015-78,634,017, GGA deleted on the plus strand (TCC on the coding strand, the reverse complement: ROBO1 is on the minus strand); deleting any 3 consecutive bases within chr3:78,634,015-78,634,020 gives the same sequence; the position shown is the placement nearest the transcript's 3' end. VCF-style (leftmost placement, unchanged base first): chr3-78634014-TGGA-T. GRCh37 (hg19) VCF-style: chr3-78683164-TGGA-T.
Other names: c.3096TCC[1], p.Pro1034del (NM_001145845.2); c.3261TCC[1], p.Pro1089del (NM_133631.4); c.3399_3401del (NM_002941.4); short protein forms P1089del, P1034del, P1134del.
Identifiers: ClinVar variation 1447063 (VCV001447063.8), dbSNP rs752249344, ClinGen allele CA2498366.

ClinVar aggregate classification (germline): Uncertain significance. Review status: criteria provided, multiple submitters, no conflicts (2 of 4 stars). 2 submissions from 2 submitters: Uncertain significance (2). Last evaluated 2023-06-06.

Conditions:
Nystagmus, congenital, autosomal recessive. Identifiers: MedGen C3151571, MONDO:0009762, OMIM 257400.

Submissions (2):

Baylor Genetics
Classification: Uncertain significance for Nystagmus, congenital, autosomal recessive. Last evaluated: 2023-06-06. Review status: criteria provided, single submitter. Criteria: ACMG Guidelines, 2015. Collection method: clinical testing. Allele origin: unknown.

Labcorp Genetics (formerly Invitae), Labcorp
Classification: Uncertain significance. Last evaluated: 2021-04-11. Review status: criteria provided, single submitter. Criteria: Invitae Variant Classification Sherloc (09022015). Collection method: clinical testing. Allele origin: germline.
Comment: In summary, the available evidence is currently insufficient to determine the role of this variant in disease. Therefore, it has been classified as a Variant of Uncertain Significance. Experimental studies and prediction algorithms are not available or were not evaluated, and the functional significance of this variant is currently unknown. This variant has not been reported in the literature in individuals with ROBO1-related conditions. This variant is present in population databases (rs752249344, ExAC 0.08%). This variant, c.3399_3401del, results in the deletion of 1 amino acid(s) of the ROBO1 protein (p.Pro1134del), but otherwise preserves the integrity of the reading frame.